The following is an entry in ClinVar:

ClinVar aggregate classification (germline): Benign (1 of 4 stars; one submission).

Conditions:
Immunodeficiency, common variable, 1. Also called: ANTIBODY DEFICIENCY DUE TO ICOS DEFECT. Identifiers: Orphanet 1572, Orphanet 695183, MedGen C3149378, MONDO:0011864, OMIM 607594.

Allele frequency attached by ClinVar (database versions not stated): TOPMed 0.02789; gnomAD 0.02465 and 0.02657; 1000 Genomes Project 30x 0.02452; 1000 Genomes Project 0.02356.

Submission:

Illumina Laboratory Services, Illumina
Classification: Benign for Immunodeficiency, common variable, 1. Last evaluated: 2018-01-13. Review status: criteria provided, single submitter. Criteria: ICSL Variant Classification Criteria 13 December 2019. Collection method: clinical testing. Allele origin: germline.
Comment: This variant was observed in the ICSL laboratory as part of a predisposition screen in an ostensibly healthy population. It had not been previously curated by ICSL or reported in the Human Gene Mutation Database (HGMD: prior to June 1st, 2018), and was therefore a candidate for classification through an automated scoring system. Utilizing variant allele frequency, disease prevalence and penetrance estimates, and inheritance mode, an automated score was calculated to assess if this variant is too frequent to cause the disease. Based on the score and internal cut-off values, a variant classified as benign is not then subjected to further curation. The score for this variant resulted in a classification of benign for this disease.

NM_012092.4(ICOS):c.*855T>C

Gene: ICOS (inducible T cell costimulator; plus strand). Cytogenetic location: 2q33.2.
Variant type: single nucleotide variant.
Coding change: c.*855T>C on transcript NM_012092.4 (MANE Select); 855 bases downstream of the stop codon, T replaced by C.
Molecular consequence: 3 prime UTR variant.
Genome position (GRCh38, 1-based): chr2:203,960,454, T>C. VCF-style: chr2-203960454-T-C. GRCh37 (hg19) VCF-style: chr2-204825177-T-C.
Identifiers: ClinVar variation 333744 (VCV000333744.5), dbSNP rs73991306, ClinGen allele CA10613680.